The following is an entry in ClinVar:

NM_001375380.1(EBF3):c.1123C>G (p.Pro375Ala)

Gene: EBF3 (EBF transcription factor 3; minus strand). Cytogenetic location: 10q26.3.
Variant type: single nucleotide variant.
Coding change: c.1123C>G on transcript NM_001375380.1 (MANE Select); coding-DNA position 1123, C replaced by G.
Protein change: p.Pro375Ala; replaces proline 375 with alanine.
Molecular consequence: missense variant.
Genome position (GRCh38, 1-based): chr10:129,848,397, G>C on the plus strand (C>G on the coding strand, the complement: EBF3 is on the minus strand). VCF-style: chr10-129848397-G-C. GRCh37 (hg19) VCF-style: chr10-131646661-G-C.
Other names: c.1096C>G, p.Pro366Ala (NM_001005463.3, NM_001375390.1, NM_001375392.1); c.1123C>G, p.Pro375Ala (NM_001375379.1, NM_001375389.1, NM_001375391.1); short protein forms P366A, P375A.
Identifiers: ClinVar variation 5020437 (VCV005020437.1).

ClinVar aggregate classification (germline): Uncertain significance (1 of 4 stars; one submission).

gnomAD v4.1: 1 of 1,614,034 alleles (0.000062%); highest among the groups gnomAD compares: Non-Finnish European, 0.000085%; no homozygotes.

Submission:

Dasa
Classification: Uncertain significance. Last evaluated: 2026-06-03. Review status: criteria provided, single submitter. Criteria: DASA Assertion Criteria. Collection method: clinical testing. Allele origin: germline.
Comment: NM_001375380.1(EBF3):c.1123C>G (p.Pro375Ala) is a missense variant that results in the substitution of proline with alanine. This variant is rare in population databases. Computational prediction algorithms are consistent with a deleterious effect. The currently available literature and clinical evidence are not sufficient to establish a definitive association between this variant and the reported condition. Therefore, this variant is classified as a variant of uncertain significance.